The following is an entry in ClinVar:

NM_002382.5(MAX):c.269G>T (p.Arg90Leu)

Gene: MAX (MYC associated transcriptional regulator X; minus strand). Cytogenetic location: 14q23.3.
Variant type: single nucleotide variant.
Coding change: c.269G>T on transcript NM_002382.5 (MANE Select); coding-DNA position 269, G replaced by T.
Protein change: p.Arg90Leu; replaces arginine 90 with leucine.
Molecular consequence: missense variant. On other transcripts: 5 prime UTR variant (1), intron variant (2).
Genome position (GRCh38, 1-based): chr14:65,077,939, C>A on the plus strand (G>T on the coding strand, the complement: MAX is on the minus strand). VCF-style: chr14-65077939-C-A. GRCh37 (hg19) VCF-style: chr14-65544657-C-A.
Other names: c.-6G>T (NM_001320415.2, NM_001407105.1, NM_001407106.1 and 1 more transcripts); c.269G>T, p.Arg90Leu (NM_001407094.1, NM_001407096.1, NM_001407097.1 and 3 more transcripts); c.242G>T, p.Arg81Leu (NM_001407095.1, NM_001407099.1, NM_001407100.1 and 6 more transcripts); c.161G>T, p.Arg54Leu (NM_001407098.1); c.-99G>T (NM_001407111.1, NM_001407112.1); c.144+15769G>T (NM_001271069.2); c.171+15769G>T (NM_197957.4); short protein forms R90L, R81L, R54L.
Identifiers: ClinVar variation 232112 (VCV000232112.6), dbSNP rs876659562, ClinGen allele CA10579866.

ClinVar aggregate classification (germline): Uncertain significance (1 of 4 stars; one submission).

Conditions:
Hereditary cancer-predisposing syndrome. Also called: Neoplastic Syndromes, Hereditary; Tumor predisposition; Hereditary Cancer Syndrome; Hereditary neoplastic syndrome. Identifiers: Orphanet 140162, MedGen C0027672, MeSH D009386, MONDO:0015356.

Submission:

Ambry Genetics
Classification: Uncertain significance for Hereditary cancer-predisposing syndrome. Last evaluated: 2015-06-03. Review status: criteria provided, single submitter. Criteria: Ambry Variant Classification Scheme 2023. Collection method: clinical testing. Allele origin: germline.
Comment: The p.R90L variant (also known as c.269G>T), located in coding exon 4 of the MAX gene, results from a G to T substitution at nucleotide position 269. The arginine at codon 90 is replaced by leucine, an amino acid with dissimilar properties. This variant was not reported in population based cohorts in the following databases: Database of Single Nucleotide Polymorphisms (dbSNP), NHLBI Exome Sequencing Project (ESP), and 1000 Genomes Project. In the ESP, this variant was not observed in 6503 samples (13006 alleles) with coverage at this position. To date, this alteration has been detected with an allele frequency of approximately 0.02% (greater than 4500 alleles tested) in our clinical cohort. This amino acid position is highly conserved in available vertebrate species. In addition, this alteration is predicted to be benign and deleterious by PolyPhen and SIFT in silico analyses, respectively. Since supporting evidence is limited at this time, the clinical significance of p.R90L remains unclear.